The following is an entry in ClinVar:

ClinVar aggregate classification (germline): Uncertain significance (1 of 4 stars; one submission).

Allele frequency attached by ClinVar (database versions not stated): gnomAD exomes below 0.00001.
gnomAD v4.1: 1 of 1,613,696 alleles (0.000062%); highest among the groups gnomAD compares: Admixed American, 0.0017%; no homozygotes.

Submission:

Labcorp Genetics (formerly Invitae), Labcorp
Classification: Uncertain significance. Last evaluated: 2021-11-30. Review status: criteria provided, single submitter. Criteria: Invitae Variant Classification Sherloc (09022015). Collection method: clinical testing. Allele origin: germline.
Comment: In summary, the available evidence is currently insufficient to determine the role of this variant in disease. Therefore, it has been classified as a Variant of Uncertain Significance. Algorithms developed to predict the effect of missense changes on protein structure and function output the following: SIFT: "Deleterious"; PolyPhen-2: "Benign"; Align-GVGD: "Class C15". The lysine amino acid residue is found in multiple mammalian species, which suggests that this missense change does not adversely affect protein function. This variant has not been reported in the literature in individuals affected with NLRP1-related conditions. This variant is present in population databases (no rsID available, gnomAD 0.003%). This sequence change replaces glutamic acid, which is acidic and polar, with lysine, which is basic and polar, at codon 687 of the NLRP1 protein (p.Glu687Lys).

NM_033004.4(NLRP1):c.2059G>A (p.Glu687Lys)

Gene: NLRP1 (NLR family pyrin domain containing 1; minus strand). Cytogenetic location: 17p13.2.
Variant type: single nucleotide variant.
Coding change: c.2059G>A on transcript NM_033004.4 (MANE Select); coding-DNA position 2059, G replaced by A.
Protein change: p.Glu687Lys; replaces glutamic acid 687 with lysine.
Molecular consequence: missense variant.
Genome position (GRCh38, 1-based): chr17:5,558,637, C>T on the plus strand (G>A on the coding strand, the complement: NLRP1 is on the minus strand). VCF-style: chr17-5558637-C-T. GRCh37 (hg19) VCF-style: chr17-5461957-C-T.
Other names: c.2059G>A, p.Glu687Lys (NM_001033053.3, NM_014922.5, NM_033006.4 and 1 more transcripts); short protein forms E687K.
Identifiers: ClinVar variation 1365683 (VCV001365683.6), dbSNP rs1393307277, ClinGen allele CA397383915.